The following is an entry in ClinVar:

NM_201525.4(ADGRG1):c.1287-28G>C

Gene: ADGRG1 (adhesion G protein-coupled receptor G1; plus strand). Cytogenetic location: 16q21.
Variant type: single nucleotide variant.
Coding change: c.1287-28G>C on transcript NM_201525.4 (MANE Select); 28 bases into the intron before coding-DNA position 1287, G replaced by C.
Molecular consequence: intron variant.
Genome position (GRCh38, 1-based): chr16:57,659,385, G>C. VCF-style: chr16-57659385-G-C. GRCh37 (hg19) VCF-style: chr16-57693297-G-C.
Other names: c.1287-28G>C (NM_001370440.1, NM_001370436.1, NM_001370438.1 and 7 more transcripts); c.1287-10G>C (NM_001370428.1, NM_001370430.1, NM_001370431.1 and 4 more transcripts); c.777-10G>C (NM_001290142.2); c.762-28G>C (NM_001370451.1, NM_001370453.1, NM_001370454.1 and 1 more transcripts); c.762-10G>C (NM_001290143.2); c.1284-10G>C (NM_001370434.1); c.1131-28G>C (NM_001370442.1); c.1302-28G>C (NM_001370433.1, NM_001145773.3); and 1 more.
Identifiers: ClinVar variation 287126 (VCV000287126.20), dbSNP rs60624815, ClinGen allele CA8078719.

ClinVar aggregate classification (germline): Benign/Likely benign. Review status: criteria provided, multiple submitters, no conflicts (2 of 4 stars). 7 submissions from 7 submitters: Benign (1); Likely benign (4). 2 of the submissions do not count toward it. Last evaluated 2026-01-28.

Conditions:
ADGRG1-related disorder. Also called: ADGRG1-related condition.
Bilateral frontoparietal polymicrogyria. Also called: CORTICAL DYSPLASIA, COMPLEX, WITH OTHER BRAIN MALFORMATIONS 14A (BILATERAL FRONTOPARIETAL); CEREBELLAR ATAXIA WITH NEURONAL MIGRATION DEFECT. Identifiers: Orphanet 101070, MedGen C1847352, MONDO:0011738, OMIM 606854.

Allele frequency attached by ClinVar (database versions not stated): gnomAD exomes 0.00013 and 0.00041; ExAC 0.00057; 1000 Genomes Project 0.00120; gnomAD 0.00149 and 0.00163; TOPMed 0.00160; ESP Exome Variant Server 0.00169; 1000 Genomes Project 30x 0.00172.
gnomAD v4.1: 425 of 1,613,070 alleles (0.026%); highest among the groups gnomAD compares: African/African-American, 0.5%; 1 homozygote.

Submissions (7):

Labcorp Genetics (formerly Invitae), Labcorp
Classification: Benign. Last evaluated: 2026-01-28. Review status: criteria provided, single submitter. Criteria: Invitae Variant Classification Sherloc (09022015). Collection method: clinical testing. Allele origin: germline.

GeneDx
Classification: Likely benign. Last evaluated: 2021-04-22. Review status: criteria provided, single submitter. Criteria: GeneDx Variant Classification Process June 2021. Collection method: clinical testing. Allele origin: germline. Affected: yes.

Eurofins Ntd Llc (ga)
Classification: Likely benign. Last evaluated: 2018-01-22. Review status: criteria provided, single submitter. Criteria: EGL Classification Definitions 2015. Collection method: clinical testing. Allele origin: germline. Observed: 2 variant alleles, 2 heterozygotes.

Athena Diagnostics
Classification: Likely benign. Last evaluated: 2017-06-29. Review status: criteria provided, single submitter. Criteria: Athena Diagnostics Criteria. Collection method: clinical testing. Allele origin: germline.

Breakthrough Genomics
Classification: Likely benign. Review status: criteria provided, single submitter. Criteria: ACMG Guidelines, 2015. Collection method: not provided. Allele origin: germline. Inheritance: Autosomal recessive inheritance. Affected: yes.

PreventionGenetics, part of Exact Sciences
Classification: Benign for ADGRG1-related condition. Last evaluated: 2020-04-29. Review status: no assertion criteria provided. Collection method: clinical testing. Allele origin: germline. Not counted in ClinVar's aggregate classification.
Comment: This variant is classified as benign based on ACMG/AMP sequence variant interpretation guidelines (Richards et al. 2015 PMID: 25741868, with internal and published modifications).

Natera, Inc.
Classification: Uncertain significance for Bilateral frontoparietal polymicrogyria. Last evaluated: 2020-01-17. Review status: no assertion criteria provided. Collection method: clinical testing. Allele origin: germline. Not counted in ClinVar's aggregate classification.